The following is an entry in ClinVar:

ClinVar aggregate classification (germline): Uncertain significance (1 of 4 stars; one submission).

Submission:

Women's Health and Genetics/Laboratory Corporation of America, LabCorp
Classification: Uncertain significance. Last evaluated: 2026-06-26. Review status: criteria provided, single submitter. Criteria: LabCorp Variant Classification Summary - May 2015. Collection method: clinical testing. Allele origin: germline.
Comment: Variant summary: DDIT3 c.*17G>A is located in the untranslated mRNA region downstream of the termination codon. The variant was absent in 244476 control chromosomes. The available data on variant occurrences in the general population are insufficient to allow any conclusion about variant significance. To our knowledge, no occurrence of c.*17G>A in individuals affected with DDIT3-related conditions and no experimental evidence demonstrating its impact on protein function have been reported. No submitters have cited clinical-significance assessments for this variant to ClinVar. Based on the evidence outlined above, the variant was classified as uncertain significance.

NM_004083.6(DDIT3):c.*17G>A

Gene: DDIT3 (DNA damage inducible transcript 3; minus strand). Cytogenetic location: 12q13.3.
Variant type: single nucleotide variant.
Coding change: c.*17G>A on transcript NM_004083.6 (MANE Select); 17 bases downstream of the stop codon, G replaced by A.
Molecular consequence: 3 prime UTR variant. On other transcripts: non-coding transcript variant (1).
Genome position (GRCh38, 1-based): chr12:57,516,792, C>T on the plus strand (G>A on the coding strand, the complement: DDIT3 is on the minus strand). VCF-style: chr12-57516792-C-T. GRCh37 (hg19) VCF-style: chr12-57910575-C-T.
Other names: c.*17G>A (NM_001195053.1, NM_001195054.1, NM_001195055.1 and 4 more transcripts).
Identifiers: ClinVar variation 4887659 (VCV004887659.1).